The following is an entry in ClinVar:

NM_015295.3(SMCHD1):c.3841ATT[1] (p.Ile1282del)

Gene: SMCHD1 (structural maintenance of chromosomes flexible hinge domain containing 1; plus strand). Cytogenetic location: 18p11.32.
Variant type: Microsatellite.
Coding change: c.3841ATT[1] on transcript NM_015295.3 (MANE Select); one copy of the 3-base unit ATT starting at c.3841; the reference has two copies in a row; one copy, 3 bases deleted.
Protein change: p.Ile1282del; deletes isoleucine 1282.
Genome position (GRCh38, 1-based): chr18:2,747,564-2,747,566, ATT deleted; deleting any 3 consecutive bases within chr18:2,747,560-2,747,566 gives the same sequence; the position shown is the placement nearest the transcript's 3' end. VCF-style (leftmost placement, unchanged base first): chr18-2747559-CTAT-C. GRCh37 (hg19) VCF-style: chr18-2747557-CTAT-C.
Other names: short protein forms I1282del.
Identifiers: ClinVar variation 3900526 (VCV003900526.1).

ClinVar aggregate classification (germline): Uncertain significance (1 of 4 stars; one submission).

Submission:

GeneDx
Classification: Uncertain significance. Last evaluated: 2024-11-25. Review status: criteria provided, single submitter. Criteria: GeneDx Variant Classification Process June 2021. Collection method: clinical testing. Allele origin: germline. Affected: yes.
Comment: Not observed at significant frequency in large population cohorts (gnomAD); In-frame deletion of 1 amino acid(s) in a non-repeat region; In silico analysis indicates that this variant does not alter protein structure/function; Has not been previously published as pathogenic or benign to our knowledge